The following is an entry in ClinVar:

NM_018297.4(NGLY1):c.259C>G (p.Leu87Val)

Gene: NGLY1 (N-glycanase 1; minus strand). Cytogenetic location: 3p24.2.
Variant type: single nucleotide variant.
Coding change: c.259C>G on transcript NM_018297.4 (MANE Select); coding-DNA position 259, C replaced by G.
Protein change: p.Leu87Val; replaces leucine 87 with valine.
Molecular consequence: missense variant.
Genome position (GRCh38, 1-based): chr3:25,764,299, G>C on the plus strand (C>G on the coding strand, the complement: NGLY1 is on the minus strand). VCF-style: chr3-25764299-G-C. GRCh37 (hg19) VCF-style: chr3-25805790-G-C.
Other names: c.259C>G, p.Leu87Val (NM_001145293.2, NM_001145295.2); c.133C>G, p.Leu45Val (NM_001145294.2); short protein forms L45V, L87V.
Identifiers: ClinVar variation 1450231 (VCV001450231.5), dbSNP rs765056703, ClinGen allele CA2289525.

ClinVar aggregate classification (germline): Uncertain significance (1 of 4 stars; one submission).

Conditions:
Congenital disorder of deglycosylation (CDDG). Identifiers: MedGen C3808991, MONDO:0031376.

Allele frequency attached by ClinVar (database versions not stated): gnomAD 0.00001; gnomAD exomes 0.00001; ExAC 0.00001.
gnomAD v4.1: 29 of 1,613,052 alleles (0.0018%); highest among the groups gnomAD compares: Non-Finnish European, 0.0024%; no homozygotes.

Submission:

Labcorp Genetics (formerly Invitae), Labcorp
Classification: Uncertain significance for Congenital disorder of deglycosylation. Last evaluated: 2022-10-28. Review status: criteria provided, single submitter. Criteria: Invitae Variant Classification Sherloc (09022015). Collection method: clinical testing. Allele origin: germline.
Comment: This sequence change replaces leucine, which is neutral and non-polar, with valine, which is neutral and non-polar, at codon 87 of the NGLY1 protein (p.Leu87Val). This variant is present in population databases (rs765056703, gnomAD 0.003%). This variant has not been reported in the literature in individuals affected with NGLY1-related conditions. ClinVar contains an entry for this variant (Variation ID: 1450231). Advanced modeling of protein sequence and biophysical properties (such as structural, functional, and spatial information, amino acid conservation, physicochemical variation, residue mobility, and thermodynamic stability) performed at Invitae indicates that this missense variant is expected to disrupt NGLY1 protein function. In summary, the available evidence is currently insufficient to determine the role of this variant in disease. Therefore, it has been classified as a Variant of Uncertain Significance.